The following is an entry in ClinVar:

ClinVar aggregate classification (germline): Pathogenic/Likely pathogenic. Review status: criteria provided, multiple submitters, no conflicts (2 of 4 stars). 4 submissions from 4 submitters: Pathogenic (3); Likely pathogenic (1). Last evaluated 2025-07-21.

Conditions:
Arthrogryposis multiplex congenita 6. Identifiers: MedGen C5543431, MONDO:0030281, OMIM 619334.
Nemaline myopathy. Also called: Myopathies, Nemaline. Identifiers: Orphanet 607, MedGen C0206157, MONDO:0018958.
Nemaline myopathy 2 (NEM2). Also called: Nemaline myopathy 2, autosomal recessive. Identifiers: MedGen C1850569, MONDO:0009725, OMIM 256030.

Submissions (4):

Labcorp Genetics (formerly Invitae), Labcorp
Classification: Pathogenic for Nemaline myopathy 2. Last evaluated: 2025-07-21. Review status: criteria provided, single submitter. Criteria: Invitae Variant Classification Sherloc (09022015). Collection method: clinical testing. Allele origin: germline.
Comment: This sequence change creates a premature translational stop signal (p.Asn7986Argfs*26) in the NEB gene. It is expected to result in an absent or disrupted protein product. Loss-of-function variants in NEB are known to be pathogenic (PMID: 25205138). This variant is not present in population databases (gnomAD no frequency). This variant has not been reported in the literature in individuals affected with NEB-related conditions. ClinVar contains an entry for this variant (Variation ID: 574224). For these reasons, this variant has been classified as Pathogenic.

Broad Center for Mendelian Genomics, Broad Institute of MIT and Harvard
Classification: Pathogenic for Nemaline myopathy. Last evaluated: 2025-02-28. Review status: criteria provided, single submitter. Criteria: ACMG Guidelines, 2015. Collection method: curation. Allele origin: germline. Inheritance: Autosomal recessive inheritance.
Comment: The p.Asn7951ArgfsTer26 variant in NEB has been reported, in the compound heterozygous state, in one individual with nemaline myopathy (PMID: 31127727), and has been identified in 0.0003% (4/1172792) of European (non-Finnish) chromosomes by the Genome Aggregation Database (gnomAD; dbSNP ID: rs1559296376). Although this variant has been seen in the general population in a heterozygous state, its frequency is low enough to be consistent with a recessive carrier frequency. This variant has also been reported in ClinVar (Variation ID: 574224) and has been interpreted as pathogenic by Invitae and likely pathogenic by Neuberg Centre For Genomic Medicine. This variant is predicted to cause a frameshift, which alters the protein‚Äôs amino acid sequence beginning at position 7951 and leads to a premature termination codon 26 amino acids downstream. This alteration is then predicted to lead to a truncated or absent protein. Loss of function of the NEB gene is an established disease mechanism in autosomal recessive nemaline myopathy. In summary, this variant meets criteria to be classified as pathogenic for autosomal recessive nemaline myopathy. ACMG/AMP Criteria applied: PVS1, PM2_supporting, PM3_supporting (Richards 2015).

Institute of Immunology and Genetics Kaiserslautern
Classification: Pathogenic for Nemaline myopathy 2. Last evaluated: 2024-04-25. Review status: criteria provided, single submitter. Criteria: ACMG Guidelines, 2015. Collection method: clinical testing. Allele origin: germline. Affected: yes.
Comment: ACMG Criteria: PM2, PVS1, PP5; Variant was found in heterozygous state

Neuberg Centre For Genomic Medicine, NCGM
Classification: Likely pathogenic for Arthrogryposis multiplex congenita 6. Review status: criteria provided, single submitter. Criteria: ACMG Guidelines, 2015. Collection method: clinical testing. Allele origin: germline. Inheritance: Autosomal recessive inheritance. Affected: yes.
Comment: The c.23848_23851dup (p.Asn7951ArgfsTer26) frameshift variant in NEB gene has been submitted to ClinVar as Pathogenic, but no details are available for independent assessment. It has not been reported in affected individuals. The p.Asn7951ArgfsTer26 variant is novel (not in any individuals) in gnomAD Exomes and 1000 Genomes. This variant causes a frameshift starting with codon Asparagine 7951, changes this amino acid to Arginine residue, and creates a premature Stop codon at position 26 of the new reading frame, denoted p.Asn7951ArgfsTer26. This variant is predicted to cause loss of normal protein function through protein truncation. Loss-offunction variants in NEB are known to be pathogenic (Lehtokari et al., 2014). For these reasons, this variant has been classified as Likely Pathogenic.

Literature cited by the submitters: PubMed 25205138 (cited by Labcorp Genetics (formerly Invitae), Labcorp).

NM_001164508.2(NEB):c.23848_23851dup (p.Asn7951fs)

Genes: NEB (nebulin; minus strand), RIF1 (replication timing regulatory factor 1; plus strand). Cytogenetic location: 2q23.3.
Variant type: Duplication.
Coding change: c.23848_23851dup on transcript NM_001164508.2 (MANE Select); coding-DNA positions 23848 to 23851, 4 bases duplicated (GAAA; older notation c.23848_23851dupGAAA).
Protein change: p.Asn7951fs; shifts the reading frame from asparagine 7951.
Molecular consequence: frameshift variant.
Genome position (GRCh38, 1-based): chr2:151,502,870-151,502,873, TTTC duplicated on the plus strand (GAAA on the coding strand, the reverse complement: NEB is on the minus strand); duplicating any 4 consecutive bases within chr2:151,502,870-151,502,876 gives the same sequence; the c. name uses the placement nearest the transcript's 3' end. VCF-style (leftmost placement, unchanged base first): chr2-151502869-T-TTTTC. GRCh37 (hg19) VCF-style: chr2-152359383-T-TTTTC.
Other names: NM_001164508.2(NEB):c.23848_23851dup; p.Asn7951fs; c.23848_23851dup, p.Asn7951fs (NM_001164507.2); c.23953_23956dup, p.Asn7986fs (NM_001271208.2); c.18745_18748dup, p.Asn6250fs (NM_004543.5); short protein forms N6250fs, N7951fs, N7986fs.
Identifiers: ClinVar variation 574224 (VCV000574224.11), dbSNP rs1559296376, ClinGen allele CA891842685.
Genomic context (GRCh38, chr2:151,502,869, plus strand): 5'-TGATTGCGTTTGACTCTCTCCATCTCTGGAGTGATAGGTGTTGGGATTCCTTTCCCCAAA[T>TTTTC]TTTCTTTGTACAAAACCTGTGAGATACAAGAAAGTACCCAGAGGACATTTAAAACAGGCA-3'